The following is an entry in ClinVar:

NM_000277.3(PAH):c.961C>A (p.Leu321Ile)

Gene: PAH (phenylalanine hydroxylase; minus strand). Cytogenetic location: 12q23.2.
Variant type: single nucleotide variant.
Coding change: c.961C>A on transcript NM_000277.3 (MANE Select); coding-DNA position 961, C replaced by A.
Protein change: p.Leu321Ile; replaces leucine 321 with isoleucine.
Molecular consequence: missense variant.
Genome position (GRCh38, 1-based): chr12:102,846,903, G>T on the plus strand (C>A on the coding strand, the complement: PAH is on the minus strand). VCF-style: chr12-102846903-G-T. GRCh37 (hg19) VCF-style: chr12-103240681-G-T.
Other names: c.961C>A, p.Leu321Ile (NM_001354304.2); short protein forms L321I.
Identifiers: ClinVar variation 2637450 (VCV002637450.1), dbSNP rs2499617328, ClinGen allele CA386291549.
Genomic context (GRCh38, chr12:102,846,903, plus strand): 5'-GGGCCATAGCCTATAGCACTCCACCATCCACCCAGGGAGAGAAGGGACTTACTGTGGCGA[G>T]CTTTTCAATGTATTCATCAGGTGCACCCAGAGAGGCAAGGCCAATTTCCTGTAATTGGGG-3'
Protein context (NP_000268.1, residues 311-331): LGAPDEYIEK[Leu321Ile]ATIYWFTVEF

ClinVar aggregate classification (germline): Uncertain significance (1 of 4 stars; one submission).

Submission:

Women's Health and Genetics/Laboratory Corporation of America, LabCorp
Classification: Uncertain significance. Last evaluated: 2023-10-25. Review status: criteria provided, single submitter. Criteria: LabCorp Variant Classification Summary - May 2015. Collection method: clinical testing. Allele origin: germline.
Comment: Variant summary: PAH c.961C>A (p.Leu321Ile) results in a conservative amino acid change located in the Aromatic amino acid hydroxylase, C-terminal domain (IPR019774) of the encoded protein sequence. Four of five in-silico tools predict a damaging effect of the variant on protein function. The variant was absent in 251262 control chromosomes. The available data on variant occurrences in the general population are insufficient to allow any conclusion about variant significance. To our knowledge, c.961C>A has been not been reported in the literature in individuals affected with Phenylalanine Hydroxylase Deficiency (Phenylketonuria) and no experimental evidence demonstrating an impact on protein function has been reported. The following publication has been ascertained in the context of this evaluation (PMID: 31947737). No submitters have cited clinical-significance assessments for this variant to ClinVar after 2014. Based on the evidence outlined above, the variant was classified as uncertain significance.

Literature cited by the submitters: PubMed 31947737.